The following is an entry in ClinVar:

ClinVar aggregate classification (germline): Likely benign (0 of 4 stars; one submission).

Conditions:
MAPK10-related disorder. Also called: MAPK10-related condition.

Allele frequency attached by ClinVar (database versions not stated): TOPMed 0.00006; ExAC 0.00014; gnomAD 0.00015; 1000 Genomes Project 30x 0.00016; 1000 Genomes Project 0.00020; ESP Exome Variant Server 0.00023.
gnomAD v4.1: 142 of 1,614,086 alleles (0.0088%); highest among the groups gnomAD compares: East Asian, 0.018%; no homozygotes.

Submission:

PreventionGenetics, part of Exact Sciences
Classification: Likely benign for MAPK10-related condition. Last evaluated: 2019-06-24. Review status: no assertion criteria provided. Collection method: clinical testing. Allele origin: germline.
Comment: This variant is classified as likely benign based on ACMG/AMP sequence variant interpretation guidelines (Richards et al. 2015 PMID: 25741868, with internal and published modifications).

NM_138982.4(MAPK10):c.1293G>A (p.Ser431=)

Gene: MAPK10 (mitogen-activated protein kinase 10; minus strand). Cytogenetic location: 4q21.3.
Variant type: single nucleotide variant.
Coding change: c.1293G>A on transcript NM_138982.4 (MANE Select); coding-DNA position 1293, G replaced by A.
Protein change: p.Ser431=; no amino-acid change (serine 431 retained).
Molecular consequence: synonymous variant. On other transcripts: 3 prime UTR variant (3).
Genome position (GRCh38, 1-based): chr4:86,017,330, C>T on the plus strand (G>A on the coding strand, the complement: MAPK10 is on the minus strand). VCF-style: chr4-86017330-C-T. GRCh37 (hg19) VCF-style: chr4-86938483-C-T.
Other names: c.1293G>A, p.Ser431= (NM_001318067.1, NM_001318069.2); c.858G>A, p.Ser286= (NM_001318068.1); c.1179G>A, p.Ser393= (NM_001351624.2, NM_138980.4); c.*29G>A (NM_001351625.3, NM_001363657.3, NM_002753.6).
Identifiers: ClinVar variation 3043002 (VCV003043002.2), dbSNP rs181956061, ClinGen allele CA2994960.